The following is an entry in ClinVar:

ClinVar aggregate classification (germline): Benign/Likely benign. Review status: criteria provided, multiple submitters, no conflicts (2 of 4 stars). 10 submissions from 10 submitters: Benign (8); Likely benign (2). Last evaluated 2026-07-08.

Conditions:
Rhabdoid tumor predisposition syndrome 2 (RTPS2). Identifiers: Orphanet 231108, Orphanet 69077, MedGen C2750074, MONDO:0013224, OMIM 613325.
Intellectual disability, autosomal dominant 16 (CSS4). Also called: COFFIN-SIRIS SYNDROME 4. Identifiers: Orphanet 1465, MedGen C3553249, MONDO:0013821, OMIM 614609.
Otosclerosis 12. Identifiers: MedGen C5935610, MONDO:0968980, OMIM 620792.
Hereditary cancer-predisposing syndrome. Also called: Neoplastic Syndromes, Hereditary; Tumor predisposition; Hereditary Cancer Syndrome; Hereditary neoplastic syndrome. Identifiers: Orphanet 140162, MedGen C0027672, MeSH D009386, MONDO:0015356.
Coffin-Siris syndrome. Identifiers: Orphanet 1465, MedGen C0265338, MONDO:0015452.

Allele frequency attached by ClinVar (database versions not stated): 1000 Genomes Project 30x 0.00172; ExAC 0.00189; TOPMed 0.00006; 1000 Genomes Project 0.00200.

Submissions (10):

Myriad Genetics, Inc.
Classification: Benign for Rhabdoid tumor predisposition syndrome 2. Last evaluated: 2026-07-08. Review status: criteria provided, single submitter. Criteria: Myriad Autosomal Dominant, Autosomal Recessive and X-Linked Classification Criteria (2023). Collection method: clinical testing. Allele origin: unknown.
Comment: This variant is considered benign. This variant is a silent/synonymous amino acid change and it is not expected to impact splicing.

Labcorp Genetics (formerly Invitae), Labcorp
Classification: Benign for Rhabdoid tumor predisposition syndrome 2. Last evaluated: 2026-02-03. Review status: criteria provided, single submitter. Criteria: Invitae Variant Classification Sherloc (09022015). Collection method: clinical testing. Allele origin: germline.

CeGaT Center for Human Genetics Tuebingen
Classification: Benign. Last evaluated: 2025-05-01. Review status: criteria provided, single submitter. Criteria: CeGaT Center For Human Genetics Tuebingen Variant Classification Criteria Version 2. Collection method: clinical testing. Allele origin: germline. Affected: yes. Observed: 4 variant alleles.
Comment: SMARCA4: BP4, BS1, BS2

Department of Pathology and Laboratory Medicine, Sinai Health System
Classification: Benign for Rhabdoid tumor predisposition syndrome 2; Intellectual disability, autosomal dominant 16; Otosclerosis 12. Last evaluated: 2023-02-10. Review status: criteria provided, single submitter. Criteria: ACMG Guidelines, 2015. Collection method: clinical testing. Allele origin: germline. Affected: no.

Fulgent Genetics
Classification: Likely benign for Rhabdoid tumor predisposition syndrome 2; Intellectual disability, autosomal dominant 16. Last evaluated: 2021-10-21. Review status: criteria provided, single submitter. Criteria: ACMG Guidelines, 2015. Collection method: clinical testing. Allele origin: unknown.

Genome-Nilou Lab
Classification: Benign for Intellectual disability, autosomal dominant 16. Last evaluated: 2021-07-15. Review status: criteria provided, single submitter. Criteria: ACMG Guidelines, 2015. Collection method: clinical testing. Allele origin: germline. Affected: no.

GeneDx
Classification: Benign. Last evaluated: 2018-06-01. Review status: criteria provided, single submitter. Criteria: GeneDx Variant Classification (06012015). Collection method: clinical testing. Allele origin: germline. Affected: yes.
Comment: This variant is considered likely benign or benign based on one or more of the following criteria: it is a conservative change, it occurs at a poorly conserved position in the protein, it is predicted to be benign by multiple in silico algorithms, and/or has population frequency not consistent with disease.

Illumina Laboratory Services, Illumina
Classification: Benign for Coffin-Siris syndrome. Last evaluated: 2018-01-13. Review status: criteria provided, single submitter. Criteria: ICSL Variant Classification Criteria 13 December 2019. Collection method: clinical testing. Allele origin: germline.
Comment: This variant was observed in the ICSL laboratory as part of a predisposition screen in an ostensibly healthy population. It had not been previously curated by ICSL or reported in the Human Gene Mutation Database (HGMD: prior to June 1st, 2018), and was therefore a candidate for classification through an automated scoring system. Utilizing variant allele frequency, disease prevalence and penetrance estimates, and inheritance mode, an automated score was calculated to assess if this variant is too frequent to cause the disease. Based on the score and internal cut-off values, a variant classified as benign is not then subjected to further curation. The score for this variant resulted in a classification of benign for this disease.

Genetic Services Laboratory, University of Chicago
Classification: Benign. Last evaluated: 2016-04-12. Review status: criteria provided, single submitter. Criteria: ACMG Guidelines, 2015. Collection method: clinical testing. Allele origin: germline. Affected: no.

Ambry Genetics
Classification: Likely benign for Hereditary cancer-predisposing syndrome. Last evaluated: 2015-07-14. Review status: criteria provided, single submitter. Criteria: Ambry Variant Classification Scheme 2023. Collection method: clinical testing. Allele origin: germline.

NM_003072.5(SMARCA4):c.120C>T (p.His40=)

Gene: SMARCA4 (SWI/SNF related BAF chromatin remodeling complex subunit ATPase 4; plus strand). Cytogenetic location: 19p13.2.
Variant type: single nucleotide variant.
Coding change: c.120C>T on transcript NM_003072.5 (MANE Select); coding-DNA position 120, C replaced by T.
Protein change: p.His40=; no amino-acid change (histidine 40 retained).
Molecular consequence: synonymous variant. On other transcripts: non-coding transcript variant (1).
Genome position (GRCh38, 1-based): chr19:10,984,271, C>T. VCF-style: chr19-10984271-C-T. GRCh37 (hg19) VCF-style: chr19-11094947-C-T.
Other names: c.120C>T (NM_001128849.2); c.120C>T, p.His40= (NM_001128844.3, NM_001128845.2, NM_001128846.2 and 5 more transcripts).
Identifiers: ClinVar variation 212233 (VCV000212233.51), dbSNP rs375884151, ClinGen allele CA205265.